The following is an entry in ClinVar:

NM_005359.6(SMAD4):c.905-9T>C

Gene: SMAD4 (SMAD family member 4; plus strand). Cytogenetic location: 18q21.2.
Variant type: single nucleotide variant.
Coding change: c.905-9T>C on transcript NM_005359.6 (MANE Select); 9 bases into the intron before coding-DNA position 905, T replaced by C.
Molecular consequence: intron variant.
Genome position (GRCh38, 1-based): chr18:51,059,857, T>C. VCF-style: chr18-51059857-T-C. GRCh37 (hg19) VCF-style: chr18-48586227-T-C.
Identifiers: ClinVar variation 421499 (VCV000421499.16), dbSNP rs1064795175, ClinGen allele CA16620706.
Genomic context (GRCh38, chr18:51,059,857, plus strand): 5'-TTACTGAAAGTTTTAGCATTAGACAACTTTTAGTAAATAAAAATGGAATTTTTGTTGTCT[T>C]TTCTTTAGGGCCTGTTCACAATGAGCTTGCATTCCAGCCTCCCATTTCCAATCATCCTGG-3'

ClinVar aggregate classification (germline): Conflicting classifications of pathogenicity. Review status: criteria provided, conflicting classifications (1 of 4 stars). 4 submissions from 4 submitters: Uncertain significance (1); Likely benign (3). Last evaluated 2025-04-21.

Conditions:
Juvenile polyposis syndrome (JPS). Identifiers: Orphanet 2929, MedGen C0345893, MONDO:0017380, OMIM 174900.
Hereditary cancer-predisposing syndrome. Also called: Neoplastic Syndromes, Hereditary; Hereditary Cancer Syndrome; Hereditary neoplastic syndrome; Tumor predisposition. Identifiers: Orphanet 140162, MedGen C0027672, MeSH D009386, MONDO:0015356.
Juvenile polyposis/hereditary hemorrhagic telangiectasia syndrome (JPHT). Also called: POLYPOSIS, GENERALIZED JUVENILE, WITH PULMONARY ARTERIOVENOUS MALFORMATION; TELANGIECTASIA, HEREDITARY HEMORRHAGIC, WITH JUVENILE POLYPOSIS COLI; Juvenile Polyposis Syndrome / Hereditary Hemorrhagic Telangiectasia (JPS/HHT); JP/HHT SYNDROME; JUVENILE POLYPOSIS WITH HEREDITARY HEMORRHAGIC TELANGIECTASIA. Identifiers: Orphanet 2929, MedGen C1832942, MONDO:0008278, OMIM 175050.

Allele frequency attached by ClinVar (database versions not stated): gnomAD exomes below 0.00001; TOPMed below 0.00001.
gnomAD v4.1: 1 of 1,608,704 alleles (0.000062%); highest among the groups gnomAD compares: Non-Finnish European, 0.000085%; no homozygotes.

Submissions (4):

Labcorp Genetics (formerly Invitae), Labcorp
Classification: Likely benign for Juvenile polyposis syndrome. Last evaluated: 2025-04-21. Review status: criteria provided, single submitter. Criteria: Invitae Variant Classification Sherloc (09022015). Collection method: clinical testing. Allele origin: germline.

Myriad Genetics, Inc.
Classification: Likely benign for Juvenile polyposis/hereditary hemorrhagic telangiectasia syndrome. Last evaluated: 2025-03-20. Review status: criteria provided, single submitter. Criteria: Myriad Autosomal Dominant, Autosomal Recessive and X-Linked Classification Criteria (2023). Collection method: clinical testing. Allele origin: unknown.
Comment: This variant is considered likely benign. This variant is intronic and is not expected to impact mRNA splicing.

Color Diagnostics, LLC DBA Color Health
Classification: Likely benign for Hereditary cancer-predisposing syndrome. Last evaluated: 2022-01-31. Review status: criteria provided, single submitter. Criteria: ACMG Guidelines, 2015. Collection method: clinical testing. Allele origin: germline.

GeneDx
Classification: Uncertain significance. Last evaluated: 2016-06-20. Review status: criteria provided, single submitter. Criteria: GeneDx Variant Classification (06012015). Collection method: clinical testing. Allele origin: germline. Affected: yes.
Comment: This variant is denoted SMAD4 c.905-9T>C or IVS7-9T>C and consists of a T>C nucleotide substitution at the -9 position of intron 7 of the SMAD4 gene. This variant is not predicted to affect splicing; however, in the absence of RNA or functional studies, the actual effect of this variant is unknown. This variant has not, to our knowledge, been published in the literature as pathogenic or benign. SMAD4 c.905-9T>C was not observed in approximately 6,500 individuals of European and African American ancestry in the NHLBI Exome Sequencing Project, suggesting it is not a common benign variant in these populations. The thymine (T) nucleotide that is altered is conserved across species. Based on currently available information, it is unclear whether SMAD4 c.905-9T>C is pathogenic or benign. We consider it to be a variant of uncertain significance.